The following is an entry in ClinVar:

NM_003052.5(SLC34A1):c.74G>A (p.Arg25Gln)

Gene: SLC34A1 (solute carrier family 34 member 1; plus strand). Cytogenetic location: 5q35.3.
Variant type: single nucleotide variant.
Coding change: c.74G>A on transcript NM_003052.5 (MANE Select); coding-DNA position 74, G replaced by A.
Protein change: p.Arg25Gln; replaces arginine 25 with glutamine.
Molecular consequence: missense variant.
Genome position (GRCh38, 1-based): chr5:177,385,815, G>A. VCF-style: chr5-177385815-G-A. GRCh37 (hg19) VCF-style: chr5-176812816-G-A.
Other names: p.Arg25Gln; c.74G>A, p.Arg25Gln (NM_001167579.2); short protein forms R25Q.
Identifiers: ClinVar variation 904291 (VCV000904291.9), dbSNP rs112528230, ClinGen allele CA3580232.

ClinVar aggregate classification (germline): Conflicting classifications of pathogenicity. Review status: criteria provided, conflicting classifications (1 of 4 stars). 3 submissions from 3 submitters: Uncertain significance (2); Benign (1). Last evaluated 2023-01-16.

Conditions:
Hypophosphatemic nephrolithiasis/osteoporosis 1. Identifiers: Orphanet 244305, MedGen C2676786, MONDO:0012850, OMIM 612286.

Allele frequency attached by ClinVar (database versions not stated): gnomAD exomes 0.00015 and 0.00019; ExAC 0.00020; TOPMed 0.00032; gnomAD 0.00036 and 0.00040; ESP Exome Variant Server 0.00038; 1000 Genomes Project 30x 0.00078.
gnomAD v4.1: 310 of 1,613,470 alleles (0.019%); highest among the groups gnomAD compares: African/African-American, 0.089%; 1 homozygote.

Submissions (3):

Mayo Clinic Laboratories, Mayo Clinic
Classification: Uncertain significance. Last evaluated: 2023-01-16. Review status: criteria provided, single submitter. Criteria: ACMG Guidelines, 2015. Collection method: clinical testing. Allele origin: germline. Observed: 2 variant alleles.
Comment: BP4

Labcorp Genetics (formerly Invitae), Labcorp
Classification: Uncertain significance. Last evaluated: 2022-09-12. Review status: criteria provided, single submitter. Criteria: Invitae Variant Classification Sherloc (09022015). Collection method: clinical testing. Allele origin: germline.
Comment: This sequence change replaces arginine, which is basic and polar, with glutamine, which is neutral and polar, at codon 25 of the SLC34A1 protein (p.Arg25Gln). This variant is present in population databases (rs112528230, gnomAD 0.08%). This variant has not been reported in the literature in individuals affected with SLC34A1-related conditions. ClinVar contains an entry for this variant (Variation ID: 904291). Algorithms developed to predict the effect of missense changes on protein structure and function (SIFT, PolyPhen-2, Align-GVGD) all suggest that this variant is likely to be tolerated. In summary, the available evidence is currently insufficient to determine the role of this variant in disease. Therefore, it has been classified as a Variant of Uncertain Significance.

Illumina Laboratory Services, Illumina
Classification: Benign for Hypophosphatemic nephrolithiasis/osteoporosis 1. Last evaluated: 2018-01-13. Review status: criteria provided, single submitter. Criteria: ICSL Variant Classification Criteria 13 December 2019. Collection method: clinical testing. Allele origin: germline.
Comment: This variant was observed in the ICSL laboratory as part of a predisposition screen in an ostensibly healthy population. It had not been previously curated by ICSL or reported in the Human Gene Mutation Database (HGMD: prior to June 1st, 2018), and was therefore a candidate for classification through an automated scoring system. Utilizing variant allele frequency, disease prevalence and penetrance estimates, and inheritance mode, an automated score was calculated to assess if this variant is too frequent to cause the disease. Based on the score and internal cut-off values, a variant classified as benign is not then subjected to further curation. The score for this variant resulted in a classification of benign for this disease.